The following is an entry in ClinVar:

ClinVar aggregate classification (germline): Likely benign (0 of 4 stars; one submission).

Conditions:
HYCC1-related disorder. Also called: HYCC1-related condition.

Allele frequency attached by ClinVar (database versions not stated): gnomAD exomes below 0.00001.
gnomAD v4.1: 6 of 1,612,640 alleles (0.00037%); highest among the groups gnomAD compares: Non-Finnish European, 0.00051%; no homozygotes.

Submission:

PreventionGenetics, part of Exact Sciences
Classification: Likely benign for HYCC1-related condition. Last evaluated: 2023-03-16. Review status: no assertion criteria provided. Collection method: clinical testing. Allele origin: germline.
Comment: This variant is classified as likely benign based on ACMG/AMP sequence variant interpretation guidelines (Richards et al. 2015 PMID: 25741868, with internal and published modifications).

NM_032581.4(HYCC1):c.1536T>C (p.Pro512=)

Gene: HYCC1 (hyccin PI4KA lipid kinase complex subunit 1; minus strand). Cytogenetic location: 7p15.3.
Variant type: single nucleotide variant.
Coding change: c.1536T>C on transcript NM_032581.4 (MANE Select); coding-DNA position 1536, T replaced by C.
Protein change: p.Pro512=; no amino-acid change (proline 512 retained).
Molecular consequence: synonymous variant. On other transcripts: 3 prime UTR variant (2).
Genome position (GRCh38, 1-based): chr7:22,945,619, A>G on the plus strand (T>C on the coding strand, the complement: HYCC1 is on the minus strand). VCF-style: chr7-22945619-A-G. GRCh37 (hg19) VCF-style: chr7-22985238-A-G.
Other names: c.*572T>C (NM_001363466.2); c.*530T>C (NM_001363467.2).
Identifiers: ClinVar variation 3030451 (VCV003030451.2), dbSNP rs2534332267, ClinGen allele CA454141094.